The following is an entry in ClinVar:

ClinVar aggregate classification (germline): Uncertain significance. Review status: criteria provided, multiple submitters, no conflicts (2 of 4 stars). 2 submissions from 2 submitters: Uncertain significance (2). Last evaluated 2026-04-06.

Conditions:
Fanconi anemia (FA). Also called: Fanconi's anemia. Identifiers: Orphanet 84, MedGen C0015625, MeSH D005199, MONDO:0019391.
Inborn genetic diseases. Identifiers: MedGen C0950123, MeSH D030342.

Submissions (2):

Ambry Genetics
Classification: Uncertain significance for Inborn genetic diseases. Last evaluated: 2026-04-06. Review status: criteria provided, single submitter. Criteria: Ambry Variant Classification Scheme 2023. Collection method: clinical testing. Allele origin: germline.
Comment: The p.P594S variant (also known as c.1780C>T), located in coding exon 20 of the FANCA gene, results from a C to T substitution at nucleotide position 1780. The proline at codon 594 is replaced by serine, an amino acid with similar properties. This amino acid position is conserved. In addition, this alteration is predicted to be deleterious by in silico analysis. Based on the available evidence, the clinical significance of this variant remains unclear.

Labcorp Genetics (formerly Invitae), Labcorp
Classification: Uncertain significance for Fanconi anemia. Last evaluated: 2021-12-09. Review status: criteria provided, single submitter. Criteria: Invitae Variant Classification Sherloc (09022015). Collection method: clinical testing. Allele origin: germline.
Comment: This sequence change replaces proline, which is neutral and non-polar, with serine, which is neutral and polar, at codon 594 of the FANCA protein (p.Pro594Ser). This variant is not present in population databases (gnomAD no frequency). This variant has not been reported in the literature in individuals affected with FANCA-related conditions. Advanced modeling of protein sequence and biophysical properties (such as structural, functional, and spatial information, amino acid conservation, physicochemical variation, residue mobility, and thermodynamic stability) performed at Invitae indicates that this missense variant is expected to disrupt FANCA protein function. In summary, the available evidence is currently insufficient to determine the role of this variant in disease. Therefore, it has been classified as a Variant of Uncertain Significance.

NM_000135.4(FANCA):c.1780C>T (p.Pro594Ser)

Gene: FANCA (FA complementation group A; minus strand). Cytogenetic location: 16q24.3.
Variant type: single nucleotide variant.
Coding change: c.1780C>T on transcript NM_000135.4 (MANE Select); coding-DNA position 1780, C replaced by T.
Protein change: p.Pro594Ser; replaces proline 594 with serine.
Molecular consequence: missense variant.
Genome position (GRCh38, 1-based): chr16:89,778,847, G>A on the plus strand (C>T on the coding strand, the complement: FANCA is on the minus strand). VCF-style: chr16-89778847-G-A. GRCh37 (hg19) VCF-style: chr16-89845255-G-A.
Other names: c.1780C>T, p.Pro594Ser (NM_001286167.3); c.1780C>T (NM_000135.2); short protein forms P594S.
Identifiers: ClinVar variation 1429294 (VCV001429294.4), dbSNP rs2039605850, ClinGen allele CA397454618.